The following is an entry in ClinVar:

ClinVar aggregate classification (germline): Uncertain significance (1 of 4 stars; one submission).

Conditions:
Severe combined immunodeficiency, autosomal recessive, T cell-negative, B cell-negative, NK cell-positive. Also called: SCID, T CELL-NEGATIVE, B CELL-NEGATIVE, NK CELL-POSITIVE; Severe combined immunodeficiency due to complete RAG1/2 deficiency; SCID, AR, T-cell negative, B-cell negative, NK cell-positive. Identifiers: Orphanet 331206, MedGen C1832322, MONDO:0011086, OMIM 601457.
Combined immunodeficiency with skin granulomas. Identifiers: Orphanet 157949, MedGen C2673536, MONDO:0009306, OMIM 233650.

Submission:

Labcorp Genetics (formerly Invitae), Labcorp
Classification: Uncertain significance for Combined immunodeficiency with skin granulomas; Severe combined immunodeficiency, autosomal recessive, T cell-negative, B cell-negative, NK cell-positive. Last evaluated: 2025-12-01. Review status: criteria provided, single submitter. Criteria: Invitae Variant Classification Sherloc (09022015). Collection method: clinical testing. Allele origin: germline.
Comment: This sequence change replaces glycine, which is neutral and non-polar, with aspartic acid, which is acidic and polar, at codon 427 of the RAG1 protein (p.Gly427Asp). This variant is not present in population databases (gnomAD no frequency). This variant has not been reported in the literature in individuals affected with RAG1-related conditions. ClinVar contains an entry for this variant (Variation ID: 2002821). Invitae Evidence Modeling of protein sequence and biophysical properties (such as structural, functional, and spatial information, amino acid conservation, physicochemical variation, residue mobility, and thermodynamic stability) has been performed for this missense variant. However, the output from this modeling did not meet the statistical confidence thresholds required to predict the impact of this variant on RAG1 protein function. In summary, the available evidence is currently insufficient to determine the role of this variant in disease. Therefore, it has been classified as a Variant of Uncertain Significance.

NM_000448.3(RAG1):c.1280G>A (p.Gly427Asp)

Gene: RAG1 (recombination activating 1; plus strand). Cytogenetic location: 11p12.
Variant type: single nucleotide variant.
Coding change: c.1280G>A on transcript NM_000448.3 (MANE Select); coding-DNA position 1280, G replaced by A.
Protein change: p.Gly427Asp; replaces glycine 427 with aspartic acid.
Molecular consequence: missense variant.
Genome position (GRCh38, 1-based): chr11:36,574,584, G>A. VCF-style: chr11-36574584-G-A. GRCh37 (hg19) VCF-style: chr11-36596134-G-A.
Other names: c.1280G>A, p.Gly427Asp (NM_001377277.1, NM_001377278.1, NM_001377279.1 and 1 more transcripts); short protein forms G427D.
Identifiers: ClinVar variation 2002821 (VCV002002821.2), dbSNP rs1292985274, ClinGen allele CA380152177.